The following is an entry in ClinVar:

ClinVar aggregate classification (germline): Uncertain significance (1 of 4 stars; one submission).

Conditions:
T-B+ severe combined immunodeficiency due to JAK3 deficiency. Also called: SCID, autosomal recessive, T-negative/B-positive type; SCID, T CELL-NEGATIVE, B CELL-POSITIVE, NK CELL-NEGATIVE. Identifiers: Orphanet 35078, MedGen C1833275, MONDO:0010938, OMIM 600802.

Allele frequency attached by ClinVar (database versions not stated): gnomAD 0.00001; TOPMed 0.00001; ExAC 0.00002.

Submission:

Labcorp Genetics (formerly Invitae), Labcorp
Classification: Uncertain significance for T-B+ severe combined immunodeficiency due to JAK3 deficiency. Last evaluated: 2021-08-28. Review status: criteria provided, single submitter. Criteria: Invitae Variant Classification Sherloc (09022015). Collection method: clinical testing. Allele origin: germline.
Comment: This sequence change replaces glycine with arginine at codon 46 of the JAK3 protein (p.Gly46Arg). The glycine residue is highly conserved and there is a moderate physicochemical difference between glycine and arginine. This variant is present in population databases (rs778988303, ExAC 0.02%). This variant has not been reported in the literature in individuals affected with JAK3-related conditions. Algorithms developed to predict the effect of missense changes on protein structure and function are either unavailable or do not agree on the potential impact of this missense change (SIFT: "Deleterious"; PolyPhen-2: "Probably Damaging"; Align-GVGD: "Class C15"). Algorithms developed to predict the effect of sequence changes on RNA splicing suggest that this variant may create or strengthen a splice site. In summary, the available evidence is currently insufficient to determine the role of this variant in disease. Therefore, it has been classified as a Variant of Uncertain Significance.

NM_000215.4(JAK3):c.136G>A (p.Gly46Arg)

Gene: JAK3 (Janus kinase 3; minus strand). Cytogenetic location: 19p13.11.
Variant type: single nucleotide variant.
Coding change: c.136G>A on transcript NM_000215.4 (MANE Select); coding-DNA position 136, G replaced by A.
Protein change: p.Gly46Arg; replaces glycine 46 with arginine.
Molecular consequence: missense variant.
Genome position (GRCh38, 1-based): chr19:17,844,282, C>T on the plus strand (G>A on the coding strand, the complement: JAK3 is on the minus strand). VCF-style: chr19-17844282-C-T. GRCh37 (hg19) VCF-style: chr19-17955091-C-T.
Other names: short protein forms G46R.
Identifiers: ClinVar variation 836993 (VCV000836993.7), dbSNP rs778988303, ClinGen allele CA9302259.